The following is an entry in ClinVar:

ClinVar aggregate classification (germline): Likely benign. Review status: criteria provided, multiple submitters, no conflicts (2 of 4 stars). 2 submissions from 2 submitters: Likely benign (2). Last evaluated 2026-01-05.

Conditions:
Idiopathic generalized epilepsy. Also called: EIG; Generalised epilepsy. Identifiers: MedGen C0270850, MONDO:0005579, OMIM 600669.

Allele frequency attached by ClinVar (database versions not stated): gnomAD 0.00003 and 0.00004; gnomAD exomes 0.00004 and 0.00006; TOPMed 0.00004; ExAC 0.00006.
gnomAD v4.1: 92 of 1,612,268 alleles (0.0057%); highest among the groups gnomAD compares: Middle Eastern, 0.033%; no homozygotes.

Submissions (2):

Labcorp Genetics (formerly Invitae), Labcorp
Classification: Likely benign for Idiopathic generalized epilepsy. Last evaluated: 2026-01-05. Review status: criteria provided, single submitter. Criteria: Invitae Variant Classification Sherloc (09022015). Collection method: clinical testing. Allele origin: germline.

CeGaT Center for Human Genetics Tuebingen
Classification: Likely benign. Last evaluated: 2025-02-01. Review status: criteria provided, single submitter. Criteria: CeGaT Center For Human Genetics Tuebingen Variant Classification Criteria Version 2. Collection method: clinical testing. Allele origin: germline. Affected: yes. Observed: 1 variant allele.
Comment: GABRD: BP4

NM_000815.5(GABRD):c.471-8C>A

Gene: GABRD (gamma-aminobutyric acid type A receptor subunit delta; plus strand). Cytogenetic location: 1p36.33.
Variant type: single nucleotide variant.
Coding change: c.471-8C>A on transcript NM_000815.5 (MANE Select); 8 bases into the intron before coding-DNA position 471, C replaced by A.
Molecular consequence: intron variant.
Genome position (GRCh38, 1-based): chr1:2,027,569, C>A. VCF-style: chr1-2027569-C-A. GRCh37 (hg19) VCF-style: chr1-1959008-C-A.
Identifiers: ClinVar variation 460011 (VCV000460011.19), dbSNP rs748813137, ClinGen allele CA534677.